The following is an entry in ClinVar:

ClinVar aggregate classification (germline): Uncertain significance (1 of 4 stars; one submission).

Allele frequency attached by ClinVar (database versions not stated): gnomAD exomes below 0.00001; ExAC 0.00001.
gnomAD v4.1: 30 of 1,613,924 alleles (0.0019%); highest among the groups gnomAD compares: Non-Finnish European, 0.0025%; no homozygotes.

Submission:

Labcorp Genetics (formerly Invitae), Labcorp
Classification: Uncertain significance. Last evaluated: 2024-10-22. Review status: criteria provided, single submitter. Criteria: Invitae Variant Classification Sherloc (09022015). Collection method: clinical testing. Allele origin: germline.
Comment: This sequence change replaces tyrosine, which is neutral and polar, with cysteine, which is neutral and slightly polar, at codon 405 of the WFS1 protein (p.Tyr405Cys). This variant is present in population databases (rs769514478, gnomAD 0.0009%). This variant has not been reported in the literature in individuals affected with WFS1-related conditions. ClinVar contains an entry for this variant (Variation ID: 1422485). Invitae Evidence Modeling of protein sequence and biophysical properties (such as structural, functional, and spatial information, amino acid conservation, physicochemical variation, residue mobility, and thermodynamic stability) indicates that this missense variant is expected to disrupt WFS1 protein function with a positive predictive value of 95%. In summary, the available evidence is currently insufficient to determine the role of this variant in disease. Therefore, it has been classified as a Variant of Uncertain Significance.

NM_006005.3(WFS1):c.1214A>G (p.Tyr405Cys)

Gene: WFS1 (wolframin ER transmembrane glycoprotein; plus strand). Cytogenetic location: 4p16.1.
Variant type: single nucleotide variant.
Coding change: c.1214A>G on transcript NM_006005.3 (MANE Select); coding-DNA position 1214, A replaced by G.
Protein change: p.Tyr405Cys; replaces tyrosine 405 with cysteine.
Molecular consequence: missense variant.
Genome position (GRCh38, 1-based): chr4:6,301,009, A>G. VCF-style: chr4-6301009-A-G. GRCh37 (hg19) VCF-style: chr4-6302736-A-G.
Other names: c.1214A>G, p.Tyr405Cys (NM_001145853.1); short protein forms Y405C.
Identifiers: ClinVar variation 1422485 (VCV001422485.6), dbSNP rs769514478, ClinGen allele CA2839264.